The following is an entry in ClinVar:

NM_014305.4(TGDS):c.714T>G (p.Val238=)

Gene: TGDS (TDP-glucose 4,6-dehydratase; minus strand). Cytogenetic location: 13q32.1.
Variant type: single nucleotide variant.
Coding change: c.714T>G on transcript NM_014305.4 (MANE Select); coding-DNA position 714, T replaced by G.
Protein change: p.Val238=; no amino-acid change (valine 238 retained).
Molecular consequence: synonymous variant. On other transcripts: non-coding transcript variant (2).
Genome position (GRCh38, 1-based): chr13:94,578,116, A>C on the plus strand (T>G on the coding strand, the complement: TGDS is on the minus strand). VCF-style: chr13-94578116-A-C. GRCh37 (hg19) VCF-style: chr13-95230370-A-C.
Other names: c.618T>G, p.Val206= (NM_001304430.2).
Identifiers: ClinVar variation 741988 (VCV000741988.11), dbSNP rs143780872, ClinGen allele CA7017927.

ClinVar aggregate classification (germline): Likely benign. Review status: criteria provided, multiple submitters, no conflicts (2 of 4 stars). 3 submissions from 3 submitters: Likely benign (2). 1 of the submissions does not count toward it. Last evaluated 2026-07-01.

Conditions:
TGDS-related disorder. Also called: TGDS-related condition.

Allele frequency attached by ClinVar (database versions not stated): gnomAD exomes 0.00002 and 0.00006; ExAC 0.00006; gnomAD 0.00017; TOPMed 0.00024; ESP Exome Variant Server 0.00031.
gnomAD v4.1: 63 of 1,613,866 alleles (0.0039%); highest among the groups gnomAD compares: African/African-American, 0.069%; no homozygotes.

Submissions (3):

CeGaT Center for Human Genetics Tuebingen
Classification: Likely benign. Last evaluated: 2026-07-01. Review status: criteria provided, single submitter. Criteria: CeGaT Center For Human Genetics Tuebingen Variant Classification Criteria Version 2. Collection method: clinical testing. Allele origin: germline. Affected: yes. Observed: 1 variant allele.
Comment: TGDS: BP4, BP7

Labcorp Genetics (formerly Invitae), Labcorp
Classification: Likely benign. Last evaluated: 2025-05-27. Review status: criteria provided, single submitter. Criteria: Invitae Variant Classification Sherloc (09022015). Collection method: clinical testing. Allele origin: germline.

PreventionGenetics, part of Exact Sciences
Classification: Likely benign for TGDS-related condition. Last evaluated: 2019-08-27. Review status: no assertion criteria provided. Collection method: clinical testing. Allele origin: germline. Not counted in ClinVar's aggregate classification.
Comment: This variant is classified as likely benign based on ACMG/AMP sequence variant interpretation guidelines (Richards et al. 2015 PMID: 25741868, with internal and published modifications).